The following is an entry in ClinVar:

ClinVar aggregate classification (germline): Pathogenic (1 of 4 stars; one submission).

Conditions:
Ehlers-Danlos syndrome, dermatosparaxis type. Also called: EDS VIIC; Dermatosparaxis; Ehlers-Danlos syndrome, type VII, autosomal recessive. Identifiers: Orphanet 1901, MedGen C2700425, MONDO:0009161, OMIM 225410.

Submission:

Myriad Genetics, Inc.
Classification: Pathogenic for Ehlers-Danlos syndrome, dermatosparaxis type. Last evaluated: 2024-05-14. Review status: criteria provided, single submitter. Criteria: Myriad Autosomal Dominant, Autosomal Recessive and X-Linked Classification Criteria (2023). Collection method: clinical testing. Allele origin: unknown.
Comment: NM_014244.4(ADAMTS2):c.84_85ins13(P29Tfs*41) is expected to be pathogenic in the context of Ehlers-Danlos syndrome, ADAMTS2-related. This variant is predicted to lead to an abnormal or absent protein product due to the creation of a premature termination codon in ADAMTS2, a gene where loss-of-function variants are known to be pathogenic. Please note: this variant was assessed in the context of healthy population screening.

NM_014244.5(ADAMTS2):c.84_85insACACTCAGCAGAC (p.Pro29fs)

Gene: ADAMTS2 (ADAM metallopeptidase with thrombospondin type 1 motif 2; minus strand). Cytogenetic location: 5q35.3.
Variant type: Insertion.
Coding change: c.84_85insACACTCAGCAGAC on transcript NM_014244.5 (MANE Select); coding-DNA positions 84 to 85, ACACTCAGCAGAC inserted.
Protein change: p.Pro29fs; shifts the reading frame from proline 29.
Molecular consequence: frameshift variant.
Genome position: GRCh38 VCF-style: chr5-179345244-G-GGTCTGCTGAGTGT. GRCh37 (hg19) VCF-style: chr5-178772245-G-GGTCTGCTGAGTGT.
Other names: c.84_85insACACTCAGCAGAC, p.Pro29fs (NM_021599.4); short protein forms P29fs.
Identifiers: ClinVar variation 5010841 (VCV005010841.1).